The following is an entry in ClinVar:

NM_181882.3(PRX):c.4057G>A (p.Glu1353Lys)

Gene: PRX (periaxin; minus strand). Cytogenetic location: 19q13.2.
Variant type: single nucleotide variant.
Coding change: c.4057G>A on transcript NM_181882.3 (MANE Select); coding-DNA position 4057, G replaced by A.
Protein change: p.Glu1353Lys; replaces glutamic acid 1353 with lysine.
Molecular consequence: missense variant. On other transcripts: 3 prime UTR variant (1).
Genome position (GRCh38, 1-based): chr19:40,394,295, C>T on the plus strand (G>A on the coding strand, the complement: PRX is on the minus strand). VCF-style: chr19-40394295-C-T. GRCh37 (hg19) VCF-style: chr19-40900202-C-T.
Other names: c.*4262G>A (NM_020956.2); c.4057G>A (NM_181882.2); short protein forms E1353K.
Identifiers: ClinVar variation 1509147 (VCV001509147.7), dbSNP rs150914430, ClinGen allele CA9443713.

ClinVar aggregate classification (germline): Uncertain significance. Review status: criteria provided, multiple submitters, no conflicts (2 of 4 stars). 2 submissions from 2 submitters: Uncertain significance (2). Last evaluated 2025-09-10.

Conditions:
Charcot-Marie-Tooth disease type 4. Also called: Charcot-Marie-Tooth, Type 4; Charcot-Marie-Tooth disease, type IV. Identifiers: Orphanet 64749, MedGen C4082197, MONDO:0018995.
Inborn genetic diseases. Identifiers: MedGen C0950123, MeSH D030342.

Allele frequency attached by ClinVar (database versions not stated): ExAC 0.00001; TOPMed 0.00001; gnomAD 0.00002; ESP Exome Variant Server 0.00008.
gnomAD v4.1: 8 of 1,609,934 alleles (0.0005%); highest among the groups gnomAD compares: African/African-American, 0.0067%; no homozygotes.

Submissions (2):

Ambry Genetics
Classification: Uncertain significance for Inborn genetic diseases. Last evaluated: 2025-09-10. Review status: criteria provided, single submitter. Criteria: Ambry Variant Classification Scheme 2023. Collection method: clinical testing. Allele origin: germline.

Labcorp Genetics (formerly Invitae), Labcorp
Classification: Uncertain significance for Charcot-Marie-Tooth disease type 4. Last evaluated: 2021-10-15. Review status: criteria provided, single submitter. Criteria: Invitae Variant Classification Sherloc (09022015). Collection method: clinical testing. Allele origin: germline.
Comment: In summary, the available evidence is currently insufficient to determine the role of this variant in disease. Therefore, it has been classified as a Variant of Uncertain Significance. This sequence change replaces glutamic acid with lysine at codon 1353 of the PRX protein (p.Glu1353Lys). The glutamic acid residue is weakly conserved and there is a small physicochemical difference between glutamic acid and lysine. This variant is present in population databases (rs150914430, ExAC 0.01%). This variant has not been reported in the literature in individuals affected with PRX-related conditions. Algorithms developed to predict the effect of missense changes on protein structure and function are either unavailable or do not agree on the potential impact of this missense change (SIFT: "Tolerated"; PolyPhen-2: "Not Available"; Align-GVGD: "Class C0").